The following is an entry in ClinVar:

ClinVar aggregate classification (germline): Uncertain significance (1 of 4 stars; one submission).

Conditions:
Hereditary spastic paraplegia 54. Also called: Spastic paraplegia 54, autosomal recessive. Identifiers: Orphanet 320380, MedGen C3539495, MONDO:0014018, OMIM 615033.

Submission:

Labcorp Genetics (formerly Invitae), Labcorp
Classification: Uncertain significance for Spastic paraplegia 54, autosomal recessive. Last evaluated: 2018-11-02. Review status: criteria provided, single submitter. Criteria: Invitae Variant Classification Sherloc (09022015). Collection method: clinical testing. Allele origin: germline.
Comment: This sequence change affects an acceptor splice site in intron 3 of the DDHD2 gene. It is expected to disrupt RNA splicing and may result in a disrupted protein product. The frequency data for this variant in the population databases is considered unreliable, as metrics indicate poor data quality at this position in the ExAC database. This variant has not been reported in the literature in individuals with DDHD2-related disease. Algorithms developed to predict the effect of sequence changes on RNA splicing suggest that this variant may disrupt the consensus splice site, but this prediction has not been confirmed by published transcriptional studies. In summary, the available evidence is currently insufficient to determine the role of this variant in disease. Therefore, it has been classified as a Variant of Uncertain Significance.

NM_015214.3(DDHD2):c.221-1_224del

Gene: DDHD2 (DDHD domain containing 2; plus strand). Cytogenetic location: 8p11.23.
Variant type: Deletion.
Coding change: c.221-1_224del on transcript NM_015214.3 (MANE Select); the canonical splice acceptor site of the intron before coding-DNA position 221 through coding-DNA position 224, 5 bases deleted (GGAAA; older notation c.221-1_224delGGAAA).
Molecular consequence: splice acceptor variant.
Genome position (GRCh38, 1-based): chr8:38,234,393-38,234,397, GGAAA deleted; deleting any 5 consecutive bases within chr8:38,234,389-38,234,397 gives the same sequence; the c. name uses the placement nearest the transcript's 3' end. VCF-style (leftmost placement, unchanged base first): chr8-38234388-TGAAAG-T. GRCh37 (hg19) VCF-style: chr8-38091906-TGAAAG-T.
Other names: c.221-1_224del (NM_001362914.2, NM_001362913.2, NM_001362912.2 and 3 more transcripts).
Identifiers: ClinVar variation 653311 (VCV000653311.3), dbSNP rs759522859, ClinGen allele CA4715917.